The following is an entry in ClinVar:

NM_014727.3(KMT2B):c.2567C>T (p.Pro856Leu)

Gene: KMT2B (lysine methyltransferase 2B; plus strand). Cytogenetic location: 19q13.12.
Variant type: single nucleotide variant.
Coding change: c.2567C>T on transcript NM_014727.3 (MANE Select); coding-DNA position 2567, C replaced by T.
Protein change: p.Pro856Leu; replaces proline 856 with leucine.
Molecular consequence: missense variant.
Genome position (GRCh38, 1-based): chr19:35,722,468, C>T. VCF-style: chr19-35722468-C-T. GRCh37 (hg19) VCF-style: chr19-36213370-C-T.
Other names: short protein forms P856L.
Identifiers: ClinVar variation 3370154 (VCV003370154.1).

ClinVar aggregate classification (germline): Uncertain significance (1 of 4 stars; one submission).

gnomAD v4.1: 3 of 1,607,362 alleles (0.00019%); highest among the groups gnomAD compares: South Asian, 0.0011%; no homozygotes.

Submission:

GeneDx
Classification: Uncertain significance. Last evaluated: 2024-01-12. Review status: criteria provided, single submitter. Criteria: GeneDx Variant Classification Process June 2021. Collection method: clinical testing. Allele origin: germline. Affected: yes.
Comment: Not observed at significant frequency in large population cohorts (gnomAD); In silico analysis supports that this missense variant does not alter protein structure/function; Has not been previously published as pathogenic or benign to our knowledge